The following is an entry in ClinVar:

NM_003126.4(SPTA1):c.1902G>A (p.Lys634=)

Gene: SPTA1 (spectrin alpha, erythrocytic 1; minus strand). Cytogenetic location: 1q23.1.
Variant type: single nucleotide variant.
Coding change: c.1902G>A on transcript NM_003126.4 (MANE Select); coding-DNA position 1902, G replaced by A.
Protein change: p.Lys634=; no amino-acid change (lysine 634 retained).
Molecular consequence: synonymous variant.
Genome position (GRCh38, 1-based): chr1:158,667,994, C>T on the plus strand (G>A on the coding strand, the complement: SPTA1 is on the minus strand). VCF-style: chr1-158667994-C-T. GRCh37 (hg19) VCF-style: chr1-158637784-C-T.
Other names: p.Lys634=.
Identifiers: ClinVar variation 2436376 (VCV002436376.6), dbSNP rs374442926, ClinGen allele CA1183573.

ClinVar aggregate classification (germline): Benign/Likely benign. Review status: criteria provided, multiple submitters, no conflicts (2 of 4 stars). 3 submissions from 3 submitters: Benign (1); Likely benign (2). Last evaluated 2025-03-07.

Allele frequency attached by ClinVar (database versions not stated): ESP Exome Variant Server 0.00008.
gnomAD v4.1: 125 of 1,612,274 alleles (0.0078%); highest among the groups gnomAD compares: Non-Finnish European, 0.01%; no homozygotes.

Submissions (3):

Mayo Clinic Laboratories, Mayo Clinic
Classification: Likely benign. Last evaluated: 2025-03-07. Review status: criteria provided, single submitter. Criteria: ACMG Guidelines, 2015. Collection method: clinical testing. Allele origin: germline. Observed: 1 variant allele.
Comment: BP4, BP7, PM2_supporting

Labcorp Genetics (formerly Invitae), Labcorp
Classification: Benign. Last evaluated: 2024-09-09. Review status: criteria provided, single submitter. Criteria: Invitae Variant Classification Sherloc (09022015). Collection method: clinical testing. Allele origin: germline.

Revvity Omics, Revvity
Classification: Likely benign. Last evaluated: 2023-12-29. Review status: criteria provided, single submitter. Criteria: ACMG Guidelines, 2015. Collection method: clinical testing. Allele origin: germline.